The following is an entry in ClinVar:

ClinVar aggregate classification (germline): Uncertain significance (1 of 4 stars; one submission).

Allele frequency attached by ClinVar (database versions not stated): gnomAD exomes 0.00004 and 0.00011; gnomAD 0.00006; TOPMed 0.00008; ExAC 0.00011.
gnomAD v4.1: 68 of 1,614,046 alleles (0.0042%); highest among the groups gnomAD compares: East Asian, 0.14%; no homozygotes.

Submission:

Labcorp Genetics (formerly Invitae), Labcorp
Classification: Uncertain significance. Last evaluated: 2022-07-27. Review status: criteria provided, single submitter. Criteria: Invitae Variant Classification Sherloc (09022015). Collection method: clinical testing. Allele origin: germline.
Comment: This sequence change replaces proline, which is neutral and non-polar, with leucine, which is neutral and non-polar, at codon 1394 of the SZT2 protein (p.Pro1394Leu). This variant is present in population databases (rs779392510, gnomAD 0.1%). This missense change has been observed in individual(s) with epilepsy, developmental delay, macrocephaly and a dysmorphic corpus callosum (PMID: 28893434). ClinVar contains an entry for this variant (Variation ID: 1394398). Algorithms developed to predict the effect of missense changes on protein structure and function are either unavailable or do not agree on the potential impact of this missense change (SIFT: "Deleterious"; PolyPhen-2: "Probably Damaging"; Align-GVGD: "Class C15"). In summary, the available evidence is currently insufficient to determine the role of this variant in disease. Therefore, it has been classified as a Variant of Uncertain Significance.

Literature cited by the submitters: PubMed 28893434.

NM_001365999.1(SZT2):c.4352C>T (p.Pro1451Leu)

Gene: SZT2 (SZT2 subunit of KICSTOR complex; plus strand). Cytogenetic location: 1p34.2.
Variant type: single nucleotide variant.
Coding change: c.4352C>T on transcript NM_001365999.1 (MANE Select); coding-DNA position 4352, C replaced by T.
Protein change: p.Pro1451Leu; replaces proline 1451 with leucine.
Molecular consequence: missense variant.
Genome position (GRCh38, 1-based): chr1:43,430,054, C>T. VCF-style: chr1-43430054-C-T. GRCh37 (hg19) VCF-style: chr1-43895725-C-T.
Other names: c.4181C>T, p.Pro1394Leu (NM_015284.4); short protein forms P1394L, P1451L.
Identifiers: ClinVar variation 1394398 (VCV001394398.5), dbSNP rs779392510, ClinGen allele CA809256.
Genomic context (GRCh38, chr1:43,430,054, plus strand): 5'-TCTAAACCCCACAACAGGAGAAGTTCCTAGAGATCAGTCGTCTCCACTTCCGCACAGTGC[C>T]TTCCAATCCCCACTACTTCTTCTATTGCCCTCCATCCAGCAGGCGAGAAGTGAGTGGCTC-3'
Protein context (NP_001352928.1, residues 1441-1461): EISRLHFRTV[Pro1451Leu]SNPHYFFYCP